The following is an entry in ClinVar:

ClinVar aggregate classification (germline): Uncertain significance (1 of 4 stars; one submission).

Submission:

Mayo Clinic Laboratories, Mayo Clinic
Classification: Uncertain significance. Last evaluated: 2024-09-19. Review status: criteria provided, single submitter. Criteria: ACMG Guidelines, 2015. Collection method: clinical testing. Allele origin: germline. Observed: 1 variant allele.
Comment: PP3, PM2

NM_001355436.2(SPTB):c.3764G>A (p.Arg1255Lys)

Gene: SPTB (spectrin beta, erythrocytic; minus strand). Cytogenetic location: 14q23.3.
Variant type: single nucleotide variant.
Coding change: c.3764G>A on transcript NM_001355436.2 (MANE Select); coding-DNA position 3764, G replaced by A.
Protein change: p.Arg1255Lys; replaces arginine 1255 with lysine.
Molecular consequence: missense variant.
Genome position (GRCh38, 1-based): chr14:64,785,749, C>T on the plus strand (G>A on the coding strand, the complement: SPTB is on the minus strand). VCF-style: chr14-64785749-C-T. GRCh37 (hg19) VCF-style: chr14-65252467-C-T.
Other names: p.Arg1255Lys; c.3764G>A, p.Arg1255Lys (NM_001024858.4, NM_001355437.2); short protein forms R1255K.
Identifiers: ClinVar variation 3380203 (VCV003380203.1).